The following is an entry in ClinVar:

ClinVar aggregate classification (germline): Likely benign (1 of 4 stars; one submission).

Allele frequency attached by ClinVar (database versions not stated): gnomAD 0.00012 and 0.00021; TOPMed 0.00015; 1000 Genomes Project 0.00040; gnomAD exomes 0.00047 and 0.00049; 1000 Genomes Project 30x 0.00094; ExAC 0.00155.
gnomAD v4.1: 42 of 169,920 alleles (0.025%); highest among the groups gnomAD compares: Middle Eastern, 0.25%; no homozygotes.

Submission:

GeneDx
Classification: Likely benign. Last evaluated: 2018-02-06. Review status: criteria provided, single submitter. Criteria: GeneDx Variant Classification (06012015). Collection method: clinical testing. Allele origin: germline. Affected: yes.
Comment: This variant is considered likely benign or benign based on one or more of the following criteria: it is a conservative change, it occurs at a poorly conserved position in the protein, it is predicted to be benign by multiple in silico algorithms, and/or has population frequency not consistent with disease.

NM_001243279.3(ACSF3):c.-194+14G>C

Genes: ACSF3 (acyl-CoA synthetase family member 3; plus strand), LOC130059789 (ATAC-STARR-seq lymphoblastoid silent region 7892; plus strand). Cytogenetic location: 16q24.3.
Variant type: single nucleotide variant.
Coding change: c.-194+14G>C on transcript NM_001243279.3 (MANE Select); 14 bases into the intron after 194 bases upstream of the start codon, G replaced by C.
Molecular consequence: intron variant.
Genome position (GRCh38, 1-based): chr16:89,094,010, G>C. VCF-style: chr16-89094010-G-C. GRCh37 (hg19) VCF-style: chr16-89160418-G-C.
Other names: c.-21+14G>C (NM_001127214.4); c.-194+18G>C (NM_174917.5); c.-130+18G>C (NM_001284316.2).
Identifiers: ClinVar variation 516974 (VCV000516974.1), dbSNP rs533518151, ClinGen allele CA8237440.